The following is an entry in ClinVar:

ClinVar aggregate classification (germline): Uncertain significance (1 of 4 stars; one submission).

Conditions:
Dilated cardiomyopathy 1AA (CMD1AA). Also called: CARDIOMYOPATHY, DILATED, 1AA, WITH OR WITHOUT LEFT VENTRICULAR NONCOMPACTION; CARDIOMYOPATHY, FAMILIAL HYPERTROPHIC, 23, WITH OR WITHOUT LEFT VENTRICULAR NONCOMPACTION; Cardiomyopathy, dilated, 1AA, with or without LVNC. Identifiers: Orphanet 154, MedGen C2677338, MONDO:0012808, OMIM 612158.
Primary familial hypertrophic cardiomyopathy (HCM). Identifiers: Orphanet 99739, MedGen C0949658, MeSH D024741, MONDO:0024573. Inheritance: Various modes of inheritance.

Submissions (2):

Labcorp Genetics (formerly Invitae), Labcorp
Classification: Uncertain significance for Primary familial hypertrophic cardiomyopathy; Dilated cardiomyopathy 1AA. Last evaluated: 2025-07-27. Review status: criteria provided, single submitter. Criteria: Invitae Variant Classification Sherloc (09022015). Collection method: clinical testing. Allele origin: germline.
Comment: This sequence change replaces arginine, which is basic and polar, with cysteine, which is neutral and slightly polar, at codon 28 of the ACTN2 protein (p.Arg28Cys). This variant is not present in population databases (gnomAD no frequency). This variant has not been reported in the literature in individuals affected with ACTN2-related conditions. ClinVar contains an entry for this variant (Variation ID: 180257). Invitae Evidence Modeling of protein sequence and biophysical properties (such as structural, functional, and spatial information, amino acid conservation, physicochemical variation, residue mobility, and thermodynamic stability) indicates that this missense variant is not expected to disrupt ACTN2 protein function with a negative predictive value of 95%. In summary, the available evidence is currently insufficient to determine the role of this variant in disease. Therefore, it has been classified as a Variant of Uncertain Significance.

Avery Lab, Oakland University
No classification provided (evidence only). Condition: Dilated cardiomyopathy 1AA; Hypertrophic cardiomyopathy 1. Review status: no classification provided. Collection method: in vitro. Allele origin: not applicable. Functional consequence: loss of function. Not counted in ClinVar's aggregate classification.

NM_001103.4(ACTN2):c.82C>T (p.Arg28Cys)

Gene: ACTN2 (actinin alpha 2; plus strand). Cytogenetic location: 1q43.
Variant type: single nucleotide variant.
Coding change: c.82C>T on transcript NM_001103.4 (MANE Select); coding-DNA position 82, C replaced by T.
Protein change: p.Arg28Cys; replaces arginine 28 with cysteine.
Molecular consequence: missense variant. On other transcripts: 5 prime UTR variant (1).
Genome position (GRCh38, 1-based): chr1:236,686,755, C>T. VCF-style: chr1-236686755-C-T. GRCh37 (hg19) VCF-style: chr1-236850055-C-T.
Other names: c.82C>T, p.Arg28Cys (NM_001278343.2); c.-740C>T (NM_001278344.2); short protein forms R28C.
Identifiers: ClinVar variation 180257 (VCV000180257.5), dbSNP rs730880040, ClinGen allele CA346149.